The following is an entry in ClinVar:

NM_012087.4(GTF3C5):c.1497G>A (p.Glu499=)

Gene: GTF3C5 (general transcription factor IIIC subunit 5; plus strand). Cytogenetic location: 9q34.13.
Variant type: single nucleotide variant.
Coding change: c.1497G>A on transcript NM_012087.4 (MANE Select); coding-DNA position 1497, G replaced by A.
Protein change: p.Glu499=; no amino-acid change (glutamic acid 499 retained).
Molecular consequence: synonymous variant.
Genome position (GRCh38, 1-based): chr9:133,057,917, G>A. VCF-style: chr9-133057917-G-A. GRCh37 (hg19) VCF-style: chr9-135933304-G-A.
Other names: c.1518G>A, p.Glu506= (NM_001122823.2); c.975G>A, p.Glu325= (NM_001286709.2).
Identifiers: ClinVar variation 5040533 (VCV005040533.1).
Genomic context (GRCh38, chr9:133,057,917, plus strand): 5'-GCTGACGTACGAGTCTGGGGAAGACGAGGAGGATGAGGAGGAGGAGGAAGAGGAGGAGGA[G>A]GACTTCAAGCCATCCGACGGCAGTGAAAACGAAATGGAGACAGAGATTCTGGACTACGTG-3'
Protein context (NP_036219.2, residues 489-509): EDEEEEEEEE[Glu499=]DFKPSDGSEN

ClinVar aggregate classification (germline): Likely benign (1 of 4 stars; one submission).

gnomAD v4.1: 20 of 1,613,854 alleles (0.0012%); highest among the groups gnomAD compares: Admixed American, 0.033%; no homozygotes.

Submission:

CeGaT Center for Human Genetics Tuebingen
Classification: Likely benign. Last evaluated: 2026-08-01. Review status: criteria provided, single submitter. Criteria: CeGaT Center For Human Genetics Tuebingen Variant Classification Criteria Version 2. Collection method: clinical testing. Allele origin: germline. Affected: yes. Observed: 1 variant allele.
Comment: GTF3C5: BP4, BP7